The following is an entry in ClinVar:

NM_001040142.2(SCN2A):c.2269A>T (p.Met757Leu)

Gene: SCN2A (sodium voltage-gated channel alpha subunit 2; plus strand). Cytogenetic location: 2q24.3.
Variant type: single nucleotide variant.
Coding change: c.2269A>T on transcript NM_001040142.2 (MANE Select); coding-DNA position 2269, A replaced by T.
Protein change: p.Met757Leu; replaces methionine 757 with leucine.
Molecular consequence: missense variant.
Genome position (GRCh38, 1-based): chr2:165,331,449, A>T. VCF-style: chr2-165331449-A-T. GRCh37 (hg19) VCF-style: chr2-166187959-A-T.
Other names: c.2269A>T, p.Met757Leu (NM_001040143.2, NM_001371246.1, NM_001371247.1 and 1 more transcripts); short protein forms M757L.
Identifiers: ClinVar variation 4813557 (VCV004813557.1).

ClinVar aggregate classification (germline): Uncertain significance (1 of 4 stars; one submission).

Conditions:
Developmental and epileptic encephalopathy, 11 (DEE11). Also called: Early infantile epileptic encephalopathy 11. Identifiers: Orphanet 1934, MedGen C3150987, MONDO:0013388, OMIM 613721.

Submission:

Mendelics
Classification: Uncertain significance for Developmental and epileptic encephalopathy, 11. Last evaluated: 2026-03-05. Review status: criteria provided, single submitter. Criteria: ACMG Guidelines, 2015. Collection method: clinical testing. Allele origin: unknown.
Comment: The available evidence is insufficient to conclusively determine the role of this variant. Therefore, it is classified as a Variant of Uncertain Significance.